The following is an entry in ClinVar:

ClinVar aggregate classification (germline): Conflicting classifications of pathogenicity. Review status: criteria provided, conflicting classifications (1 of 4 stars). 3 submissions from 3 submitters: Uncertain significance (1); Likely benign (1). 1 of the submissions does not count toward it. Last evaluated 2024-10-29.

Conditions:
KIF1C-related disorder. Also called: KIF1C-related condition.
Spastic ataxia 2. Also called: Ataxia, spastic, 2, autosomal recessive. Identifiers: Orphanet 397946, MedGen C1969796, MONDO:0012651, OMIM 611302.

Allele frequency attached by ClinVar (database versions not stated): gnomAD 0.00011 and 0.00013; TOPMed 0.00015; 1000 Genomes Project 0.00020; 1000 Genomes Project 30x 0.00016; ExAC 0.00023.
gnomAD v4.1: 134 of 1,610,606 alleles (0.0083%); highest among the groups gnomAD compares: East Asian, 0.17%; no homozygotes.

Submissions (3):

Labcorp Genetics (formerly Invitae), Labcorp
Classification: Likely benign for Spastic ataxia 2. Last evaluated: 2024-10-29. Review status: criteria provided, single submitter. Criteria: Invitae Variant Classification Sherloc (09022015). Collection method: clinical testing. Allele origin: germline.

Genetic Services Laboratory, University of Chicago
Classification: Uncertain significance. Last evaluated: 2016-04-12. Review status: criteria provided, single submitter. Criteria: ACMG Guidelines, 2015. Collection method: clinical testing. Allele origin: germline. Affected: no.

PreventionGenetics, part of Exact Sciences
Classification: Likely benign for KIF1C-related condition. Last evaluated: 2019-08-06. Review status: no assertion criteria provided. Collection method: clinical testing. Allele origin: germline. Not counted in ClinVar's aggregate classification.
Comment: This variant is classified as likely benign based on ACMG/AMP sequence variant interpretation guidelines (Richards et al. 2015 PMID: 25741868, with internal and published modifications).

NM_006612.6(KIF1C):c.3272G>A (p.Arg1091His)

Gene: KIF1C (kinesin family member 1C; plus strand). Cytogenetic location: 17p13.2.
Variant type: single nucleotide variant.
Coding change: c.3272G>A on transcript NM_006612.6 (MANE Select); coding-DNA position 3272, G replaced by A.
Protein change: p.Arg1091His; replaces arginine 1091 with histidine.
Molecular consequence: missense variant.
Genome position (GRCh38, 1-based): chr17:5,024,111, G>A. VCF-style: chr17-5024111-G-A. GRCh37 (hg19) VCF-style: chr17-4927406-G-A.
Other names: short protein forms R1091H.
Identifiers: ClinVar variation 435640 (VCV000435640.18), dbSNP rs201800868, ClinGen allele CA8319527.
Genomic context (GRCh38, chr17:5,024,111, plus strand): 5'-AGCGGCCCCCAGGGCCCCGCTACCCCCCATACACTACTCCCCCACGAATGAGACGGCAGC[G>A]TTCTGCCCCTGACCTCAAGGAGAGTGGGGCAGCTGTGTGAGTCCCACATCCTGGGCAGAG-3'
Protein context (NP_006603.2, residues 1081-1101): YTTPPRMRRQ[Arg1091His]SAPDLKESGA